The following is an entry in ClinVar:

NM_000390.4(CHM):c.1229A>G (p.Asp410Gly)

Gene: CHM (CHM Rab escort protein; minus strand). Cytogenetic location: Xq21.2.
Variant type: single nucleotide variant.
Coding change: c.1229A>G on transcript NM_000390.4 (MANE Select); coding-DNA position 1229, A replaced by G.
Protein change: p.Asp410Gly; replaces aspartic acid 410 with glycine.
Molecular consequence: missense variant.
Genome position (GRCh38, 1-based): chrX:85,911,276, T>C on the plus strand (A>G on the coding strand, the complement: CHM is on the minus strand). VCF-style: chrX-85911276-T-C. GRCh37 (hg19) VCF-style: chrX-85166281-T-C.
Other names: c.785A>G, p.Asp262Gly (NM_001320959.1, NM_001362517.1, NM_001362518.2 and 1 more transcripts); c.1229A>G (NM_000390.3); short protein forms D262G, D410G.
Identifiers: ClinVar variation 2072078 (VCV002072078.3), dbSNP rs761255390, ClinGen allele CA10465452.

ClinVar aggregate classification (germline): Uncertain significance. Review status: criteria provided, multiple submitters, no conflicts (2 of 4 stars). 2 submissions from 2 submitters: Uncertain significance (2). Last evaluated 2026-08-17.

Conditions:
CHM-related disorder. Also called: CHM-related condition.

Allele frequency attached by ClinVar (database versions not stated): gnomAD exomes below 0.00001; ExAC 0.00001; gnomAD 0.00001.
gnomAD v4.1: 2 of 956,767 alleles (0.00021%); highest among the groups gnomAD compares: Admixed American, 0.0059%; no homozygotes.

Submissions (2):

PreventionGenetics, part of Exact Sciences
Classification: Uncertain significance for CHM-related condition. Last evaluated: 2026-08-17. Review status: criteria provided, single submitter. Criteria: ACMG Guidelines, 2015. Collection method: clinical testing. Allele origin: germline.
Comment: The CHM c.1229A>G variant is predicted to result in the amino acid substitution p.Asp410Gly. To our knowledge, this variant has not been reported in the literature. This variant is reported in 0.0085% of alleles in individuals of Latino descent in gnomAD. At this time, the clinical significance of this variant is uncertain due to the absence of conclusive functional and genetic evidence.

Labcorp Genetics (formerly Invitae), Labcorp
Classification: Uncertain significance. Last evaluated: 2026-01-28. Review status: criteria provided, single submitter. Criteria: Invitae Variant Classification Sherloc (09022015). Collection method: clinical testing. Allele origin: germline.
Comment: This sequence change replaces aspartic acid, which is acidic and polar, with glycine, which is neutral and non-polar, at codon 410 of the CHM protein (p.Asp410Gly). This variant is present in population databases (rs761255390, gnomAD 0.009%). This variant has not been reported in the literature in individuals affected with CHM-related conditions. ClinVar contains an entry for this variant (Variation ID: 2072078). Invitae Evidence Modeling of protein sequence and biophysical properties (such as structural, functional, and spatial information, amino acid conservation, physicochemical variation, residue mobility, and thermodynamic stability) indicates that this missense variant is not expected to disrupt CHM protein function with a negative predictive value of 80%. In summary, the available evidence is currently insufficient to determine the role of this variant in disease. Therefore, it has been classified as a Variant of Uncertain Significance.